The following is an entry in ClinVar:

NM_005751.5(AKAP9):c.11240C>T (p.Pro3747Leu)

Gene: AKAP9 (A-kinase anchoring protein 9; plus strand). Cytogenetic location: 7q21.2.
Variant type: single nucleotide variant.
Coding change: c.11240C>T on transcript NM_005751.5 (MANE Select); coding-DNA position 11240, C replaced by T.
Protein change: p.Pro3747Leu; replaces proline 3747 with leucine.
Molecular consequence: missense variant.
Genome position (GRCh38, 1-based): chr7:92,102,736, C>T. VCF-style: chr7-92102736-C-T. GRCh37 (hg19) VCF-style: chr7-91732050-C-T.
Other names: c.5885C>T, p.Pro1962Leu (NM_001379277.1); c.11216C>T, p.Pro3739Leu (NM_147185.3); short protein forms P3747L, P3739L, P1962L.
Identifiers: ClinVar variation 641649 (VCV000641649.12), dbSNP rs373321787, ClinGen allele CA4338126.

ClinVar aggregate classification (germline): Uncertain significance. Review status: criteria provided, multiple submitters, no conflicts (2 of 4 stars). 3 submissions from 3 submitters: Uncertain significance (3). Last evaluated 2024-10-04.

Conditions:
Long QT syndrome (LQTS). Identifiers: MedGen C0023976, MeSH D008133, MONDO:0002442. Disease mechanism: loss of function. Inheritance: Various modes of inheritance.
Cardiovascular phenotype. Identifiers: MedGen CN230736.

Allele frequency attached by ClinVar (database versions not stated): ExAC 0.00001; gnomAD exomes 0.00001; gnomAD 0.00003 and 0.00004; TOPMed 0.00004; ESP Exome Variant Server 0.00008.
gnomAD v4.1: 36 of 1,614,046 alleles (0.0022%); highest among the groups gnomAD compares: Non-Finnish European, 0.0029%; no homozygotes.

Submissions (3):

Ambry Genetics
Classification: Uncertain significance for Cardiovascular phenotype. Last evaluated: 2024-10-04. Review status: criteria provided, single submitter. Criteria: Ambry Variant Classification Scheme 2023. Collection method: clinical testing. Allele origin: germline.
Comment: The p.P3747L variant (also known as c.11240C>T), located in coding exon 46 of the AKAP9 gene, results from a C to T substitution at nucleotide position 11240. The proline at codon 3747 is replaced by leucine, an amino acid with similar properties. This amino acid position is conserved. In addition, this alteration is predicted to be tolerated by in silico analysis. Since supporting evidence is limited at this time, the clinical significance of this alteration remains unclear.

Blueprint Genetics
Classification: Uncertain significance. Last evaluated: 2024-09-05. Review status: criteria provided, single submitter. Criteria: ACMG Guidelines, 2015. Collection method: clinical testing. Allele origin: germline.

Labcorp Genetics (formerly Invitae), Labcorp
Classification: Uncertain significance for Long QT syndrome. Last evaluated: 2024-03-25. Review status: criteria provided, single submitter. Criteria: Invitae Variant Classification Sherloc (09022015). Collection method: clinical testing. Allele origin: germline.
Comment: This sequence change replaces proline, which is neutral and non-polar, with leucine, which is neutral and non-polar, at codon 3747 of the AKAP9 protein (p.Pro3747Leu). This variant is present in population databases (rs373321787, gnomAD 0.004%). This variant has not been reported in the literature in individuals affected with AKAP9-related conditions. ClinVar contains an entry for this variant (Variation ID: 641649). An algorithm developed to predict the effect of missense changes on protein structure and function (PolyPhen-2) suggests that this variant is likely to be disruptive. In summary, the available evidence is currently insufficient to determine the role of this variant in disease. Therefore, it has been classified as a Variant of Uncertain Significance.